The following is an entry in ClinVar:

ClinVar aggregate classification (germline): Uncertain significance. Review status: criteria provided, multiple submitters, no conflicts (2 of 4 stars). 3 submissions from 3 submitters: Uncertain significance (2). 1 of the submissions does not count toward it. Last evaluated 2024-08-12.

Conditions:
Metachromatic leukodystrophy (MLD). Also called: Cerebral sclerosis diffuse metachromatic form; ARSA DEFICIENCY; CEREBROSIDE SULFATASE DEFICIENCY; METACHROMATIC LEUKOENCEPHALOPATHY; Arylsulfatase A Deficiency; SULFATIDE LIPIDOSIS. Identifiers: Orphanet 512, MedGen C0023522, MONDO:0018868, OMIM 250100.

Allele frequency attached by ClinVar (database versions not stated): gnomAD exomes below 0.00001; gnomAD 0.00001; TOPMed 0.00001.
gnomAD v4.1: 6 of 1,571,982 alleles (0.00038%); highest among the groups gnomAD compares: Admixed American, 0.0073%; no homozygotes.

Submissions (3):

Labcorp Genetics (formerly Invitae), Labcorp
Classification: Uncertain significance for Metachromatic leukodystrophy. Last evaluated: 2024-08-12. Review status: criteria provided, single submitter. Criteria: Invitae Variant Classification Sherloc (09022015). Collection method: clinical testing. Allele origin: germline.
Comment: This sequence change replaces histidine, which is basic and polar, with tyrosine, which is neutral and polar, at codon 508 of the ARSA protein (p.His508Tyr). This variant is not present in population databases (gnomAD no frequency). This variant has not been reported in the literature in individuals affected with ARSA-related conditions. ClinVar contains an entry for this variant (Variation ID: 971321). Advanced modeling of protein sequence and biophysical properties (such as structural, functional, and spatial information, amino acid conservation, physicochemical variation, residue mobility, and thermodynamic stability) performed at Invitae indicates that this missense variant is not expected to disrupt ARSA protein function with a negative predictive value of 95%. In summary, the available evidence is currently insufficient to determine the role of this variant in disease. Therefore, it has been classified as a Variant of Uncertain Significance.

Fulgent Genetics
Classification: Uncertain significance for Metachromatic leukodystrophy. Last evaluated: 2021-09-17. Review status: criteria provided, single submitter. Criteria: ACMG Guidelines, 2015. Collection method: clinical testing. Allele origin: unknown.

Natera, Inc.
Classification: Uncertain significance for Metachromatic leukodystrophy. Last evaluated: 2021-05-11. Review status: no assertion criteria provided. Collection method: clinical testing. Allele origin: germline. Not counted in ClinVar's aggregate classification.

NM_000487.6(ARSA):c.1522C>T (p.His508Tyr)

Gene: ARSA (arylsulfatase A; minus strand). Cytogenetic location: 22q13.33.
Variant type: single nucleotide variant.
Coding change: c.1522C>T on transcript NM_000487.6 (MANE Select); coding-DNA position 1522, C replaced by T.
Protein change: p.His508Tyr; replaces histidine 508 with tyrosine.
Molecular consequence: missense variant.
Genome position (GRCh38, 1-based): chr22:50,625,153, G>A on the plus strand (C>T on the coding strand, the complement: ARSA is on the minus strand). VCF-style: chr22-50625153-G-A. GRCh37 (hg19) VCF-style: chr22-51063581-G-A.
Other names: c.1522C>T, p.His508Tyr (NM_001085425.3, NM_001085426.3, NM_001085427.3); c.1264C>T, p.His422Tyr (NM_001085428.3, NM_001362782.2); short protein forms H422Y, H508Y.
Identifiers: ClinVar variation 971321 (VCV000971321.9), dbSNP rs1278738755, ClinGen allele CA412166594.